The following is an entry in ClinVar:

ClinVar aggregate classification (germline): Uncertain significance. Review status: criteria provided, multiple submitters, no conflicts (2 of 4 stars). 3 submissions from 3 submitters: Uncertain significance (3). Last evaluated 2024-10-04.

Conditions:
Peroxisome biogenesis disorder, complementation group 7 (CG7). Also called: Peroxisome biogenesis disorder, complementation group B. Identifiers: MedGen C1864399.

Allele frequency attached by ClinVar (database versions not stated): gnomAD exomes below 0.00001.

Submissions (3):

Blueprint Genetics
Classification: Uncertain significance. Last evaluated: 2024-10-04. Review status: criteria provided, single submitter. Criteria: ACMG Guidelines, 2015. Collection method: clinical testing. Allele origin: germline.

Labcorp Genetics (formerly Invitae), Labcorp
Classification: Uncertain significance for Peroxisome biogenesis disorder, complementation group 7. Last evaluated: 2022-09-19. Review status: criteria provided, single submitter. Criteria: Invitae Variant Classification Sherloc (09022015). Collection method: clinical testing. Allele origin: germline.
Comment: This sequence change replaces arginine, which is basic and polar, with cysteine, which is neutral and slightly polar, at codon 92 of the PEX10 protein (p.Arg92Cys). This variant is present in population databases (no rsID available, gnomAD 0.003%). This variant has not been reported in the literature in individuals affected with PEX10-related conditions. ClinVar contains an entry for this variant (Variation ID: 500164). Algorithms developed to predict the effect of missense changes on protein structure and function are either unavailable or do not agree on the potential impact of this missense change (SIFT: "Deleterious"; PolyPhen-2: "Probably Damaging"; Align-GVGD: "Class C15"). In summary, the available evidence is currently insufficient to determine the role of this variant in disease. Therefore, it has been classified as a Variant of Uncertain Significance.

Eurofins Ntd Llc (ga)
Classification: Uncertain significance. Last evaluated: 2017-01-27. Review status: criteria provided, single submitter. Criteria: EGL Classification Definitions 2015. Collection method: clinical testing. Allele origin: germline. Observed: 1 variant allele, 1 heterozygote.

NM_002617.4(PEX10):c.274C>T (p.Arg92Cys)

Gene: PEX10 (peroxisomal biogenesis factor 10; minus strand). Cytogenetic location: 1p36.32.
Variant type: single nucleotide variant.
Coding change: c.274C>T on transcript NM_002617.4 (MANE Select); coding-DNA position 274, C replaced by T.
Protein change: p.Arg92Cys; replaces arginine 92 with cysteine.
Molecular consequence: missense variant. On other transcripts: 5 prime UTR variant (2), non-coding transcript variant (1).
Genome position (GRCh38, 1-based): chr1:2,408,778, G>A on the plus strand (C>T on the coding strand, the complement: PEX10 is on the minus strand). VCF-style: chr1-2408778-G-A. GRCh37 (hg19) VCF-style: chr1-2340217-G-A.
Other names: c.274C>T, p.Arg92Cys (NM_001374425.1, NM_153818.2); c.-159C>T (NM_001374426.1, NM_001374427.1); short protein forms R92C.
Identifiers: ClinVar variation 500164 (VCV000500164.7), dbSNP rs1214996893, ClinGen allele CA337988831.